The following is an entry in ClinVar:

ClinVar aggregate classification (germline): Likely benign (0 of 4 stars; one submission).

Conditions:
KATNB1-related disorder. Also called: KATNB1-related condition.

Allele frequency attached by ClinVar (database versions not stated): gnomAD 0.00005; TOPMed 0.00007; ExAC 0.00010.
gnomAD v4.1: 40 of 1,613,144 alleles (0.0025%); highest among the groups gnomAD compares: East Asian, 0.074%; no homozygotes.

Submission:

PreventionGenetics, part of Exact Sciences
Classification: Likely benign for KATNB1-related condition. Last evaluated: 2021-10-08. Review status: no assertion criteria provided. Collection method: clinical testing. Allele origin: germline.
Comment: This variant is classified as likely benign based on ACMG/AMP sequence variant interpretation guidelines (Richards et al. 2015 PMID: 25741868, with internal and published modifications).

NM_005886.3(KATNB1):c.1228+8G>T

Gene: KATNB1 (katanin regulatory subunit B1; plus strand). Cytogenetic location: 16q21.
Variant type: single nucleotide variant.
Coding change: c.1228+8G>T on transcript NM_005886.3 (MANE Select); 8 bases into the intron after coding-DNA position 1228, G replaced by T.
Molecular consequence: intron variant.
Genome position (GRCh38, 1-based): chr16:57,754,003, G>T. VCF-style: chr16-57754003-G-T. GRCh37 (hg19) VCF-style: chr16-57787915-G-T.
Identifiers: ClinVar variation 3031723 (VCV003031723.2), dbSNP rs375994703, ClinGen allele CA8081086.